The following is an entry in ClinVar:

NM_014915.3(ANKRD26):c.2390A>G (p.Gln797Arg)

Gene: ANKRD26 (ankyrin repeat domain containing 26; minus strand). Cytogenetic location: 10p12.1.
Variant type: single nucleotide variant.
Coding change: c.2390A>G on transcript NM_014915.3 (MANE Select); coding-DNA position 2390, A replaced by G.
Protein change: p.Gln797Arg; replaces glutamine 797 with arginine.
Molecular consequence: missense variant.
Genome position (GRCh38, 1-based): chr10:27,038,040, T>C on the plus strand (A>G on the coding strand, the complement: ANKRD26 is on the minus strand). VCF-style: chr10-27038040-T-C. GRCh37 (hg19) VCF-style: chr10-27326969-T-C.
Other names: c.2387A>G, p.Gln796Arg (NM_001256053.2); short protein forms Q797R, Q796R.
Identifiers: ClinVar variation 3914733 (VCV003914733.1).

ClinVar aggregate classification (germline): Uncertain significance (1 of 4 stars; one submission).

Conditions:
Inborn genetic diseases. Identifiers: MedGen C0950123, MeSH D030342.

Submission:

Ambry Genetics
Classification: Uncertain significance for Inborn genetic diseases. Last evaluated: 2025-05-24. Review status: criteria provided, single submitter. Criteria: Ambry Variant Classification Scheme 2023. Collection method: clinical testing. Allele origin: germline.
Comment: The p.Q797R variant (also known as c.2390A>G), located in coding exon 22 of the ANKRD26 gene, results from an A to G substitution at nucleotide position 2390. The glutamine at codon 797 is replaced by arginine, an amino acid with highly similar properties. This amino acid position is conserved. In addition, this alteration is predicted to be tolerated by in silico analysis. Based on the available evidence, the clinical significance of this variant remains unclear.